The following is an entry in ClinVar:

NM_017763.6(RNF43):c.825T>G (p.Cys275Trp)

Gene: RNF43 (ring finger protein 43; minus strand). Cytogenetic location: 17q22.
Variant type: single nucleotide variant.
Coding change: c.825T>G on transcript NM_017763.6 (MANE Select); coding-DNA position 825, T replaced by G.
Protein change: p.Cys275Trp; replaces cysteine 275 with tryptophan.
Molecular consequence: missense variant.
Genome position (GRCh38, 1-based): chr17:58,360,807, A>C on the plus strand (T>G on the coding strand, the complement: RNF43 is on the minus strand). VCF-style: chr17-58360807-A-C. GRCh37 (hg19) VCF-style: chr17-56438168-A-C.
Other names: c.825T>G, p.Cys275Trp (NM_001305544.3); c.444T>G, p.Cys148Trp (NM_001305545.2); short protein forms C275W, C148W.
Identifiers: ClinVar variation 3946913 (VCV003946913.1).

ClinVar aggregate classification (germline): Uncertain significance (1 of 4 stars; one submission).

Submission:

Ambry Genetics
Classification: Uncertain significance. Last evaluated: 2025-05-24. Review status: criteria provided, single submitter. Criteria: Ambry Variant Classification Scheme 2023. Collection method: clinical testing. Allele origin: germline.
Comment: The p.C275W variant (also known as c.825T>G), located in coding exon 6 of the RNF43 gene, results from a T to G substitution at nucleotide position 825. The cysteine at codon 275 is replaced by tryptophan, an amino acid with highly dissimilar properties. This amino acid position is conserved. In addition, this alteration is predicted to be deleterious by in silico analysis. Based on the available evidence, the clinical significance of this variant remains unclear.